The following is an entry in ClinVar:

NM_001005273.3(CHD3):c.5079G>A (p.Arg1693=)

Gene: CHD3 (chromodomain helicase DNA binding protein 3; plus strand). Cytogenetic location: 17p13.1.
Variant type: single nucleotide variant.
Coding change: c.5079G>A on transcript NM_001005273.3 (MANE Select); coding-DNA position 5079, G replaced by A.
Protein change: p.Arg1693=; no amino-acid change (arginine 1693 retained).
Molecular consequence: synonymous variant.
Genome position (GRCh38, 1-based): chr17:7,907,946, G>A. VCF-style: chr17-7907946-G-A. GRCh37 (hg19) VCF-style: chr17-7811264-G-A.
Other names: c.5256G>A, p.Arg1752= (NM_001005271.3); c.4977G>A, p.Arg1659= (NM_005852.4).
Identifiers: ClinVar variation 2672686 (VCV002672686.23), dbSNP rs2545111926, ClinGen allele CA497749147.
Genomic context (GRCh38, chr17:7,907,946, plus strand): 5'-CCTAGCAGAAGATGTAAAAGGTGACCGGGAGCTTCGACCAGGGCCTCGAGATGAGCCACG[G>A]TCCAATGGGCGACGAGAGGAAAAGACAGAGAAGCCCCGGTTCATGTTCAATATCGCCGAT-3'
Protein context (NP_001005273.1, residues 1683-1703): ELRPGPRDEP[Arg1693=]SNGRREEKTE

ClinVar aggregate classification (germline): Likely benign (1 of 4 stars; one submission).

Submission:

CeGaT Center for Human Genetics Tuebingen
Classification: Likely benign. Last evaluated: 2023-11-01. Review status: criteria provided, single submitter. Criteria: CeGaT Center For Human Genetics Tuebingen Variant Classification Criteria Version 2. Collection method: clinical testing. Allele origin: germline. Affected: yes. Observed: 1 variant allele.
Comment: CHD3: PM2:Supporting, BP4, BP7